The following is an entry in ClinVar:

NM_025114.4(CEP290):c.2279T>C (p.Phe760Ser)

Gene: CEP290 (centrosomal protein 290; minus strand). Cytogenetic location: 12q21.32.
Variant type: single nucleotide variant.
Coding change: c.2279T>C on transcript NM_025114.4 (MANE Select); coding-DNA position 2279, T replaced by C.
Protein change: p.Phe760Ser; replaces phenylalanine 760 with serine.
Molecular consequence: missense variant.
Genome position (GRCh38, 1-based): chr12:88,111,290, A>G on the plus strand (T>C on the coding strand, the complement: CEP290 is on the minus strand). VCF-style: chr12-88111290-A-G. GRCh37 (hg19) VCF-style: chr12-88505067-A-G.
Other names: c.2279T>C (NM_025114.3); short protein forms F760S.
Identifiers: ClinVar variation 1056786 (VCV001056786.15), dbSNP rs1488946278, ClinGen allele CA385974622.

ClinVar aggregate classification (germline): Uncertain significance. Review status: criteria provided, multiple submitters, no conflicts (2 of 4 stars). 6 submissions from 6 submitters: Uncertain significance (4). 2 of the submissions do not count toward it. Last evaluated 2025-08-10.

Conditions:
Leber congenital amaurosis (LCA). Also called: Leber's amaurosis. Identifiers: Orphanet 65, MedGen C0339527, MeSH D057130, MONDO:0018998.
Meckel-Gruber syndrome. Also called: Dysencephalia splachnocystica; GRUBER SYNDROME; DYSENCEPHALIA SPLANCHNOCYSTICA. Identifiers: Orphanet 564, MedGen C0265215, MONDO:0018921.
Joubert syndrome. Also called: JOUBERT-BOLTSHAUSER SYNDROME; Familial aplasia of the vermis. Identifiers: Orphanet 475, MedGen C5979921, MONDO:0018772.
Nephronophthisis. Also called: Juvenile Nephronophthisis. Identifiers: Orphanet 655, MedGen C0687120, MONDO:0019005, HP:0000090.
Bardet-Biedl syndrome 14 (BBS14). Identifiers: Orphanet 110, MedGen C2673874, MONDO:0014442, OMIM 615991.
Senior-Loken syndrome 6 (SLSN6). Identifiers: Orphanet 3156, MedGen C1857779, MONDO:0012433, OMIM 610189.
Joubert syndrome 5 (JBTS5). Identifiers: Orphanet 2318, MedGen C1857780, MONDO:0012432, OMIM 610188.
Leber congenital amaurosis 10 (LCA10). Identifiers: Orphanet 65, MedGen C1857821, MONDO:0012723, OMIM 611755.
Meckel syndrome, type 4 (MKS4). Also called: MECKEL-GRUBER SYNDROME, TYPE 4. Identifiers: Orphanet 564, MedGen C1970161, MONDO:0012626, OMIM 611134.
CEP290-related disorder. Also called: CEP290-related disorders; CEP290-related condition. Identifiers: MedGen CN239314.
Inborn genetic diseases. Identifiers: MedGen C0950123, MeSH D030342.

Allele frequency attached by ClinVar (database versions not stated): gnomAD exomes 0.00001; TOPMed 0.00002.
gnomAD v4.1: 9 of 1,560,018 alleles (0.00058%); highest among the groups gnomAD compares: East Asian, 0.0024%; no homozygotes.

Submissions (6):

Ambry Genetics
Classification: Uncertain significance for Inborn genetic diseases. Last evaluated: 2025-08-10. Review status: criteria provided, single submitter. Criteria: Ambry Variant Classification Scheme 2023. Collection method: clinical testing. Allele origin: germline.

Blueprint Genetics
Classification: Uncertain significance. Last evaluated: 2023-10-24. Review status: criteria provided, single submitter. Criteria: ACMG Guidelines, 2015. Collection method: clinical testing. Allele origin: germline.

Labcorp Genetics (formerly Invitae), Labcorp
Classification: Uncertain significance for Joubert syndrome; Meckel-Gruber syndrome; Nephronophthisis. Last evaluated: 2022-08-16. Review status: criteria provided, single submitter. Criteria: Invitae Variant Classification Sherloc (09022015). Collection method: clinical testing. Allele origin: germline.
Comment: This sequence change replaces phenylalanine, which is neutral and non-polar, with serine, which is neutral and polar, at codon 760 of the CEP290 protein (p.Phe760Ser). This variant is not present in population databases (gnomAD no frequency). This variant has not been reported in the literature in individuals affected with CEP290-related conditions. ClinVar contains an entry for this variant (Variation ID: 1056786). Algorithms developed to predict the effect of missense changes on protein structure and function are either unavailable or do not agree on the potential impact of this missense change (SIFT: "Deleterious"; PolyPhen-2: "Possibly Damaging"; Align-GVGD: "Class C0"). In summary, the available evidence is currently insufficient to determine the role of this variant in disease. Therefore, it has been classified as a Variant of Uncertain Significance.

Fulgent Genetics
Classification: Uncertain significance for Joubert syndrome 5; Senior-Loken syndrome 6; Meckel syndrome, type 4; Leber congenital amaurosis 10; Bardet-Biedl syndrome 14. Last evaluated: 2021-08-03. Review status: criteria provided, single submitter. Criteria: ACMG Guidelines, 2015. Collection method: clinical testing. Allele origin: unknown.

PreventionGenetics, part of Exact Sciences
Classification: Uncertain significance for CEP290-related condition. Last evaluated: 2024-06-09. Review status: no assertion criteria provided. Collection method: clinical testing. Allele origin: germline. Not counted in ClinVar's aggregate classification.
Comment: The CEP290 c.2279T>C variant is predicted to result in the amino acid substitution p.Phe760Ser. To our knowledge, this variant has not been reported in the literature or in a large population database, indicating this variant is rare. At this time, the clinical significance of this variant is uncertain due to the absence of conclusive functional and genetic evidence.

Natera, Inc.
Classification: Uncertain significance for Leber congenital amaurosis. Last evaluated: 2020-03-17. Review status: no assertion criteria provided. Collection method: clinical testing. Allele origin: germline. Not counted in ClinVar's aggregate classification.